The following is an entry in ClinVar:

NM_001098.3(ACO2):c.1666G>T (p.Val556Leu)

Genes: ACO2 (aconitase 2; plus strand), LOC130067544 (ATAC-STARR-seq lymphoblastoid active region 19118; plus strand). Cytogenetic location: 22q13.2.
Variant type: single nucleotide variant.
Coding change: c.1666G>T on transcript NM_001098.3 (MANE Select); coding-DNA position 1666, G replaced by T.
Protein change: p.Val556Leu; replaces valine 556 with leucine.
Molecular consequence: missense variant.
Genome position (GRCh38, 1-based): chr22:41,525,253, G>T. VCF-style: chr22-41525253-G-T. GRCh37 (hg19) VCF-style: chr22-41921257-G-T.
Other names: short protein forms V556L.
Identifiers: ClinVar variation 4768040 (VCV004768040.2).

ClinVar aggregate classification (germline): Uncertain significance. Review status: criteria provided, multiple submitters, no conflicts (2 of 4 stars). 2 submissions from 2 submitters: Uncertain significance (2). Last evaluated 2025-05-21.

Submissions (2):

Labcorp Genetics (formerly Invitae), Labcorp
Classification: Uncertain significance. Last evaluated: 2025-05-21. Review status: criteria provided, single submitter. Criteria: Invitae Variant Classification Sherloc (09022015). Collection method: clinical testing. Allele origin: germline.
Comment: This sequence change replaces valine, which is neutral and non-polar, with leucine, which is neutral and non-polar, at codon 556 of the ACO2 protein (p.Val556Leu). This variant is present in population databases (no rsID available, gnomAD 0.0009%). This variant has not been reported in the literature in individuals affected with ACO2-related conditions. Invitae Evidence Modeling of protein sequence and biophysical properties (such as structural, functional, and spatial information, amino acid conservation, physicochemical variation, residue mobility, and thermodynamic stability) indicates that this missense variant is not expected to disrupt ACO2 protein function with a negative predictive value of 80%. In summary, the available evidence is currently insufficient to determine the role of this variant in disease. Therefore, it has been classified as a Variant of Uncertain Significance.

Blueprint Genetics
Classification: Uncertain significance. Last evaluated: 2019-08-30. Review status: criteria provided, single submitter. Criteria: ACMG Guidelines, 2015. Collection method: clinical testing. Allele origin: germline.